The following is an entry in ClinVar:

ClinVar aggregate classification (germline): Uncertain significance (1 of 4 stars; one submission).

Conditions:
Ataxia-telangiectasia syndrome (AT). Also called: Cerebello-oculocutaneous telangiectasia; Immunodeficiency with ataxia telangiectasia; LOUIS-BAR SYNDROME; Ataxia-telangiectasia, complementation group D; AT, COMPLEMENTATION GROUP C; Ataxia-telangiectasia. Identifiers: Orphanet 100, MedGen C0004135, MONDO:0008840, OMIM 208900.

Submission:

Labcorp Genetics (formerly Invitae), Labcorp
Classification: Uncertain significance for Ataxia-telangiectasia syndrome. Last evaluated: 2021-12-30. Review status: criteria provided, single submitter. Criteria: Invitae Variant Classification Sherloc (09022015). Collection method: clinical testing. Allele origin: germline.
Comment: In summary, the available evidence is currently insufficient to determine the role of this variant in disease. Therefore, it has been classified as a Variant of Uncertain Significance. Advanced modeling of protein sequence and biophysical properties (such as structural, functional, and spatial information, amino acid conservation, physicochemical variation, residue mobility, and thermodynamic stability) performed at Invitae indicates that this missense variant is not expected to disrupt ATM protein function. This variant has not been reported in the literature in individuals affected with ATM-related conditions. This variant is not present in population databases (gnomAD no frequency). This sequence change replaces asparagine, which is neutral and polar, with tyrosine, which is neutral and polar, at codon 1240 of the ATM protein (p.Asn1240Tyr).

NM_000051.4(ATM):c.3718A>T (p.Asn1240Tyr)

Gene: ATM (ATM serine/threonine kinase; plus strand). Cytogenetic location: 11q22.3.
Variant type: single nucleotide variant.
Coding change: c.3718A>T on transcript NM_000051.4 (MANE Select); coding-DNA position 3718, A replaced by T.
Protein change: p.Asn1240Tyr; replaces asparagine 1240 with tyrosine.
Molecular consequence: missense variant.
Genome position (GRCh38, 1-based): chr11:108,282,851, A>T. VCF-style: chr11-108282851-A-T. GRCh37 (hg19) VCF-style: chr11-108153578-A-T.
Other names: c.3718A>T, p.Asn1240Tyr (NM_001351834.2); short protein forms N1240Y.
Identifiers: ClinVar variation 2191700 (VCV002191700.4), dbSNP rs2135690666, ClinGen allele CA382523739.